The following is an entry in ClinVar:

ClinVar aggregate classification (germline): Benign. Review status: criteria provided, multiple submitters, no conflicts (2 of 4 stars). 2 submissions from 2 submitters: Benign (2). Last evaluated 2018-01-13.

Conditions:
Autosomal recessive limb-girdle muscular dystrophy type 2N. Also called: MUSCULAR DYSTROPHY-DYSTROGLYCANOPATHY, LIMB-GIRDLE, POMT2-RELATED; Muscular dystrophy-dystroglycanopathy (limb-girdle), type C, 2. Identifiers: Orphanet 206559, MedGen C3150418, MONDO:0013162, OMIM 613158.

Allele frequency attached by ClinVar (database versions not stated): 1000 Genomes Project 30x 0.35634; 1000 Genomes Project 0.36422; TOPMed 0.38671; gnomAD 0.41096 and 0.41349; gnomAD exomes 0.56250.
gnomAD v4.1: 62,867 of 151,802 alleles (41%); highest among the groups gnomAD compares: Non-Finnish European, 53%; 14,693 homozygotes.

Submissions (2):

Illumina Laboratory Services, Illumina
Classification: Benign for Autosomal recessive limb-girdle muscular dystrophy type 2N. Last evaluated: 2018-01-13. Review status: criteria provided, single submitter. Criteria: ICSL Variant Classification Criteria 13 December 2019. Collection method: clinical testing. Allele origin: germline.
Comment: This variant was observed in the ICSL laboratory as part of a predisposition screen in an ostensibly healthy population. It had not been previously curated by ICSL or reported in the Human Gene Mutation Database (HGMD: prior to June 1st, 2018), and was therefore a candidate for classification through an automated scoring system. Utilizing variant allele frequency, disease prevalence and penetrance estimates, and inheritance mode, an automated score was calculated to assess if this variant is too frequent to cause the disease. Based on the score and internal cut-off values, a variant classified as benign is not then subjected to further curation. The score for this variant resulted in a classification of benign for this disease.

Breakthrough Genomics
Classification: Benign. Review status: criteria provided, single submitter. Criteria: ACMG Guidelines, 2015. Collection method: not provided. Allele origin: germline. Inheritance: Autosomal recessive inheritance. Affected: yes.

NM_013382.7(POMT2):c.*1974G>A

Gene: POMT2 (protein O-mannosyltransferase 2; minus strand). Cytogenetic location: 14q24.3.
Variant type: single nucleotide variant.
Coding change: c.*1974G>A on transcript NM_013382.7 (MANE Select); 1974 bases downstream of the stop codon, G replaced by A.
Molecular consequence: 3 prime UTR variant.
Genome position (GRCh38, 1-based): chr14:77,275,402, C>T on the plus strand (G>A on the coding strand, the complement: POMT2 is on the minus strand). VCF-style: chr14-77275402-C-T. GRCh37 (hg19) VCF-style: chr14-77741745-C-T.
Identifiers: ClinVar variation 314514 (VCV000314514.6), dbSNP rs11159254, ClinGen allele CA10645013.